The following is an entry in ClinVar:

NM_001370100.5(ZMYND11):c.1259C>A (p.Ser420Tyr)

Genes: ZMYND11 (zinc finger MYND-type containing 11; plus strand), LOC126860802 (BRD4-independent group 4 enhancer GRCh37_chr10:294268-295467; plus strand). Cytogenetic location: 10p15.3.
Variant type: single nucleotide variant.
Coding change: c.1259C>A on transcript NM_001370100.5 (MANE Select); coding-DNA position 1259, C replaced by A.
Protein change: p.Ser420Tyr; replaces serine 420 with tyrosine.
Molecular consequence: missense variant. On other transcripts: non-coding transcript variant (1).
Genome position (GRCh38, 1-based): chr10:248,367, C>A. VCF-style: chr10-248367-C-A. GRCh37 (hg19) VCF-style: chr10-294307-C-A.
Other names: c.1097C>A, p.Ser366Tyr (NM_001202464.3, NM_001202467.1, NM_001370103.2 and 6 more transcripts); c.1004C>A, p.Ser335Tyr (NM_001202465.3, NM_001370110.2); c.1094C>A, p.Ser365Tyr (NM_001202466.3, NM_001370111.2); c.1259C>A, p.Ser420Tyr (NM_001202468.1, NM_001370097.3, NM_001370098.2 and 4 more transcripts); c.1208C>A, p.Ser403Tyr (NM_001330057.3, NM_001370112.2); c.1166C>A, p.Ser389Tyr (NM_001370113.2, NM_001370114.2); c.1256C>A, p.Ser419Tyr (NM_001370115.2, NM_212479.4); c.1193C>A, p.Ser398Tyr (NM_001370116.2); and 8 more; short protein forms S420Y, S263Y, S366Y, S398Y, S326Y, S335Y, S344Y, S365Y.
Identifiers: ClinVar variation 452318 (VCV000452318.2), dbSNP rs1554793259, ClinGen allele CA375822045.
Genomic context (GRCh38, chr10:248,367, plus strand): 5'-GGCGTCTAAACTCTTGTCTCACCTTTTAGGAACCAGAGCCTGAAACAGAAGCAGTAAGTT[C>A]TAGCCAGGAAATACCCACGATGCCTCAGCCCATCGAAAAAGTCTCCGTGTCAACTCAGAC-3'
Protein context (NP_001357029.1, residues 410-430): EPEPETEAVS[Ser420Tyr]SQEIPTMPQP

ClinVar aggregate classification (germline): Uncertain significance (1 of 4 stars; one submission).

Submission:

GeneDx
Classification: Uncertain significance. Last evaluated: 2017-09-26. Review status: criteria provided, single submitter. Criteria: GeneDx Variant Classification (06012015). Collection method: clinical testing. Allele origin: germline. Affected: yes.
Comment: The S420Y variant in the ZMYND11 gene has not been reported previously as a pathogenic variant, nor as a benign variant, to our knowledge. The S420Y variant is not observed in large population cohorts (Lek et al., 2016). The S420Y variant is a semi-conservative amino acid substitution, which may impact secondary protein structure as these residues differ in some properties. This substitution occurs at a position that is conserved across species. In silico analysis predicts this variant is probably damaging to the protein structure/function. We interpret S420Y as a variant of uncertain significance.